The following is an entry in ClinVar:

NM_144670.6(A2ML1):c.3837G>T (p.Gln1279His)

Gene: A2ML1 (alpha-2-macroglobulin like 1; plus strand). Cytogenetic location: 12p13.31.
Variant type: single nucleotide variant.
Coding change: c.3837G>T on transcript NM_144670.6 (MANE Select); coding-DNA position 3837, G replaced by T.
Protein change: p.Gln1279His; replaces glutamine 1279 with histidine.
Molecular consequence: missense variant.
Genome position (GRCh38, 1-based): chr12:8,867,961, G>T. VCF-style: chr12-8867961-G-T. GRCh37 (hg19) VCF-style: chr12-9020557-G-T.
Other names: c.2364G>T, p.Gln788His (NM_001282424.3); short protein forms Q1279H, Q788H.
Identifiers: ClinVar variation 970414 (VCV000970414.9), dbSNP rs1944476888, ClinGen allele CA383844126.

ClinVar aggregate classification (germline): Uncertain significance (1 of 4 stars; one submission).

Submission:

Labcorp Genetics (formerly Invitae), Labcorp
Classification: Uncertain significance. Last evaluated: 2019-11-04. Review status: criteria provided, single submitter. Criteria: Invitae Variant Classification Sherloc (09022015). Collection method: clinical testing. Allele origin: germline.
Comment: In summary, the available evidence is currently insufficient to determine the role of this variant in disease. Therefore, it has been classified as a Variant of Uncertain Significance. Algorithms developed to predict the effect of missense changes on protein structure and function output the following: SIFT: "Tolerated"; PolyPhen-2: "Benign"; Align-GVGD: "Class C0". The histidine amino acid residue is found in multiple mammalian species, suggesting that this missense change does not adversely affect protein function. These predictions have not been confirmed by published functional studies and their clinical significance is uncertain. This variant has not been reported in the literature in individuals with A2ML1-related conditions. This variant is not present in population databases (ExAC no frequency). This sequence change replaces glutamine with histidine at codon 1279 of the A2ML1 protein (p.Gln1279His). The glutamine residue is moderately conserved and there is a small physicochemical difference between glutamine and histidine.